The following is an entry in ClinVar:

NM_000268.4(NF2):c.521T>C (p.Ile174Thr)

Gene: NF2 (NF2, moesin-ezrin-radixin like (MERLIN) tumor suppressor; plus strand). Cytogenetic location: 22q12.2.
Variant type: single nucleotide variant.
Coding change: c.521T>C on transcript NM_000268.4 (MANE Select); coding-DNA position 521, T replaced by C.
Protein change: p.Ile174Thr; replaces isoleucine 174 with threonine.
Molecular consequence: missense variant. On other transcripts: non-coding transcript variant (1), intron variant (1).
Genome position (GRCh38, 1-based): chr22:29,655,598, T>C. VCF-style: chr22-29655598-T-C. GRCh37 (hg19) VCF-style: chr22-30051587-T-C.
Other names: c.398T>C, p.Ile133Thr (NM_181829.3); c.272T>C, p.Ile91Thr (NM_181830.3, NM_181831.3); c.521T>C, p.Ile174Thr (NM_181832.3, NM_016418.5, NM_181825.3); c.447+13313T>C (NM_181833.3); c.395T>C, p.Ile132Thr (NM_181828.3); short protein forms I174T, I132T, I133T, I91T.
Identifiers: ClinVar variation 572737 (VCV000572737.15), dbSNP rs1346860299, ClinGen allele CA411142281.
Genomic context (GRCh38, chr22:29,655,598, plus strand): 5'-ACAATACCAAATTTACTTCATGTGTAGGTTTTTTATTTTGCTCTATTTTTTGGTAGGTAA[T>C]AAATCTGTATCAGATGACTCCGGAAATGTGGGAGGAGAGAATTACTGCTTGGTACGCAGA-3'
Protein context (NP_000259.1, residues 164-184): AQEELLPKRV[Ile174Thr]NLYQMTPEMW

ClinVar aggregate classification (germline): Uncertain significance. Review status: criteria provided, multiple submitters, no conflicts (2 of 4 stars). 4 submissions from 4 submitters: Uncertain significance (4). Last evaluated 2026-07-03.

Conditions:
Hereditary cancer-predisposing syndrome. Also called: Neoplastic Syndromes, Hereditary; Hereditary Cancer Syndrome; Hereditary neoplastic syndrome; Tumor predisposition. Identifiers: Orphanet 140162, MedGen C0027672, MeSH D009386, MONDO:0015356.
Neurofibromatosis, type 2 (SWNV). Also called: SCHWANNOMATOSIS, VESTIBULAR; BILATERAL ACOUSTIC NEUROFIBROMATOSIS; NF2-Related Schwannomatosis. Identifiers: Orphanet 637, MedGen C0027832, MONDO:0007039, OMIM 101000. Disease mechanism: loss of function.

Allele frequency attached by ClinVar (database versions not stated): TOPMed below 0.00001; gnomAD 0.00001.
gnomAD v4.1: 1 of 1,613,288 alleles (0.000062%); highest among the groups gnomAD compares: Non-Finnish European, 0.000085%; no homozygotes.

Submissions (4):

Ambry Genetics
Classification: Uncertain significance for Hereditary cancer-predisposing syndrome. Last evaluated: 2026-07-03. Review status: criteria provided, single submitter. Criteria: Ambry Variant Classification Scheme 2023. Collection method: clinical testing. Allele origin: germline.

GeneDx
Classification: Uncertain significance. Last evaluated: 2025-03-05. Review status: criteria provided, single submitter. Criteria: GeneDx Variant Classification Process June 2021. Collection method: clinical testing. Allele origin: germline. Affected: yes.
Comment: Not observed at significant frequency in large population cohorts (gnomAD); In silico analysis supports that this missense variant has a deleterious effect on protein structure/function; Has not been previously published as pathogenic or benign to our knowledge; This variant is associated with the following publications: (PMID: 11756419, 16324214)

Labcorp Genetics (formerly Invitae), Labcorp
Classification: Uncertain significance for Neurofibromatosis, type 2. Last evaluated: 2024-04-08. Review status: criteria provided, single submitter. Criteria: Invitae Variant Classification Sherloc (09022015). Collection method: clinical testing. Allele origin: germline.
Comment: This sequence change replaces isoleucine, which is neutral and non-polar, with threonine, which is neutral and polar, at codon 174 of the NF2 protein (p.Ile174Thr). This variant is not present in population databases (gnomAD no frequency). This variant has not been reported in the literature in individuals affected with NF2-related conditions. ClinVar contains an entry for this variant (Variation ID: 572737). Advanced modeling of protein sequence and biophysical properties (such as structural, functional, and spatial information, amino acid conservation, physicochemical variation, residue mobility, and thermodynamic stability) performed at Invitae indicates that this missense variant is not expected to disrupt NF2 protein function with a negative predictive value of 80%. In summary, the available evidence is currently insufficient to determine the role of this variant in disease. Therefore, it has been classified as a Variant of Uncertain Significance.

All of Us Research Program, National Institutes of Health
Classification: Uncertain significance for Neurofibromatosis, type 2. Last evaluated: 2023-08-15. Review status: criteria provided, single submitter. Criteria: ACMG Guidelines, 2015. Collection method: clinical testing. Allele origin: germline. Inheritance: Autosomal dominant inheritance. Observed: 1 variant allele, 1 heterozygote.
Comment: This missense variant replaces isoleucine with threonine at codon 174 of the NF2 protein. Computational prediction is inconclusive regarding the impact of this variant on protein structure and function (internally defined REVEL score threshold 0.5 < inconclusive < 0.7, PMID: 27666373). To our knowledge, functional studies have not been reported for this variant. This variant has not been reported in individuals affected with NF2-related disorders in the literature. This variant has not been identified in the general population by the Genome Aggregation Database (gnomAD). The available evidence is insufficient to determine the role of this variant in disease conclusively. Therefore, this variant is classified as a Variant of Uncertain Significance.

This study involves interpretation of variants in research participants for the purpose of population health screening. Participant phenotype was not available at the time of variant classification. Additional details can be found in publication PMID: 35346344, PMCID: PMC8962531